The following is an entry in ClinVar:

ClinVar aggregate classification (germline): Uncertain significance (1 of 4 stars; one submission).

gnomAD v4.1: 4 of 1,614,154 alleles (0.00025%); highest among the groups gnomAD compares: African/African-American, 0.004%; no homozygotes.

Submission:

Labcorp Genetics (formerly Invitae), Labcorp
Classification: Uncertain significance. Last evaluated: 2025-04-09. Review status: criteria provided, single submitter. Criteria: Invitae Variant Classification Sherloc (09022015). Collection method: clinical testing. Allele origin: germline.
Comment: This sequence change replaces serine, which is neutral and polar, with glycine, which is neutral and non-polar, at codon 698 of the KL protein (p.Ser698Gly). This variant is present in population databases (rs753553908, gnomAD 0.0009%). This variant has not been reported in the literature in individuals affected with KL-related conditions. Invitae Evidence Modeling of protein sequence and biophysical properties (such as structural, functional, and spatial information, amino acid conservation, physicochemical variation, residue mobility, and thermodynamic stability) indicates that this missense variant is not expected to disrupt KL protein function with a negative predictive value of 80%. In summary, the available evidence is currently insufficient to determine the role of this variant in disease. Therefore, it has been classified as a Variant of Uncertain Significance.

NM_004795.4(KL):c.2092A>G (p.Ser698Gly)

Gene: KL (klotho; plus strand). Cytogenetic location: 13q13.1.
Variant type: single nucleotide variant.
Coding change: c.2092A>G on transcript NM_004795.4 (MANE Select); coding-DNA position 2092, A replaced by G.
Protein change: p.Ser698Gly; replaces serine 698 with glycine.
Molecular consequence: missense variant.
Genome position (GRCh38, 1-based): chr13:33,061,171, A>G. VCF-style: chr13-33061171-A-G. GRCh37 (hg19) VCF-style: chr13-33635308-A-G.
Other names: short protein forms S698G.
Identifiers: ClinVar variation 4692113 (VCV004692113.1).